The following is an entry in ClinVar:

ClinVar aggregate classification (germline): Conflicting classifications of pathogenicity. Review status: criteria provided, conflicting classifications (1 of 4 stars). 6 submissions from 6 submitters: Likely pathogenic (3); Uncertain significance (3). Last evaluated 2026-01-26.

Conditions:
Sotos syndrome (SOTOS). Also called: Distinctive facial appearance, overgrowth in childhood, and learning disabilities or delayed development; SOTOS SYNDROME 1; Sotos' syndrome; CEREBRAL GIGANTISM; CHROMOSOME 5q35 DELETION SYNDROME. Identifiers: Orphanet 821, MedGen C0175695, MONDO:0019349, OMIM 117550.

Submissions (6):

Medical and Scientific Branch, Hong Kong Genome Institute
Classification: Likely pathogenic for Sotos syndrome. Last evaluated: 2026-01-26. Review status: criteria provided, single submitter. Criteria: ACMG Guidelines, 2015. Collection method: clinical testing. Allele origin: de novo. Affected: yes.

Center for Personalized Medicine, Children's Hospital Los Angeles
Classification: Likely pathogenic. Last evaluated: 2022-12-21. Review status: criteria provided, single submitter. Criteria: ACMG Guidelines, 2015. Collection method: clinical testing. Allele origin: de novo. Affected: yes.

Genome-Nilou Lab
Classification: Uncertain significance for Sotos syndrome. Last evaluated: 2021-07-15. Review status: criteria provided, single submitter. Criteria: ACMG Guidelines, 2015. Collection method: clinical testing. Allele origin: germline. Affected: no.

GeneDx
Classification: Likely pathogenic. Last evaluated: 2018-12-21. Review status: criteria provided, single submitter. Criteria: GeneDx Variant Classification (06012015). Collection method: clinical testing. Allele origin: germline. Affected: yes.
Comment: The Y2058C variant in the NSD1 gene was previously reported in an individual with a clinical diagnosis of Sotos syndrome (Tatton-Brown et al., 2005). This variant was not observed in approximately 6500 individuals of European and African American ancestry in the NHLBI Exome Sequencing Project, indicating it is not a common benign variant in these populations. The Y2058C variant is a non-conservative amino acid substitution, which is likely to impact secondary protein structure as these residues differ in polarity, charge, size and/or other properties, and occurs at a position that is conserved across species. In silico analysis predicts this variant is probably damaging to the protein structure/function. The Y2058C variant is a strong candidate for a disease-causing variant, however, the possibility it may be a rare benign variant cannot be excluded.

Genetic Services Laboratory, University of Chicago
Classification: Uncertain significance. Last evaluated: 2017-12-05. Review status: criteria provided, single submitter. Criteria: ACMG Guidelines, 2015. Collection method: clinical testing. Allele origin: germline. Affected: no.

Eurofins Ntd Llc (ga)
Classification: Uncertain significance. Last evaluated: 2012-11-14. Review status: criteria provided, single submitter. Criteria: EGL Classification Definitions 2015. Collection method: clinical testing. Allele origin: germline. Observed: 1 variant allele, 1 heterozygote.

NM_022455.5(NSD1):c.6173A>G (p.Tyr2058Cys)

Gene: NSD1 (nuclear receptor binding SET domain protein 1; plus strand). Cytogenetic location: 5q35.3.
Variant type: single nucleotide variant.
Coding change: c.6173A>G on transcript NM_022455.5 (MANE Select); coding-DNA position 6173, A replaced by G.
Protein change: p.Tyr2058Cys; replaces tyrosine 2058 with cysteine.
Molecular consequence: missense variant.
Genome position (GRCh38, 1-based): chr5:177,288,840, A>G. VCF-style: chr5-177288840-A-G. GRCh37 (hg19) VCF-style: chr5-176715841-A-G.
Other names: c.5300A>G, p.Tyr1767Cys (NM_001365684.2, NM_001409308.1, NM_172349.5); c.6173A>G, p.Tyr2058Cys (NM_001409301.1, NM_001409302.1, NM_001409303.1); c.5753A>G, p.Tyr1918Cys (NM_001409304.1); c.5420A>G, p.Tyr1807Cys (NM_001409305.1); c.5411A>G, p.Tyr1804Cys (NM_001409306.1, NM_001409307.1); short protein forms Y1789C, Y1767C, Y1918C, Y1807C, Y1804C.
Identifiers: ClinVar variation 96065 (VCV000096065.14), dbSNP rs398124380, ClinGen allele CA223692.